The following is an entry in ClinVar:

ClinVar aggregate classification (germline): Pathogenic (1 of 4 stars; one submission).

Conditions:
Fanconi anemia (FA). Also called: Fanconi's anemia. Identifiers: Orphanet 84, MedGen C0015625, MeSH D005199, MONDO:0019391.

Submission:

Labcorp Genetics (formerly Invitae), Labcorp
Classification: Pathogenic for Fanconi anemia. Last evaluated: 2023-09-30. Review status: criteria provided, single submitter. Criteria: Invitae Variant Classification Sherloc (09022015). Collection method: clinical testing. Allele origin: germline.
Comment: This sequence change creates a premature translational stop signal (p.Pro78*) in the FANCL gene. It is expected to result in an absent or disrupted protein product. Loss-of-function variants in FANCL are known to be pathogenic (PMID: 19405097, 23613520). This variant is not present in population databases (gnomAD no frequency). This variant has not been reported in the literature in individuals affected with FANCL-related conditions. For these reasons, this variant has been classified as Pathogenic.

Literature cited by the submitters: PubMed 19405097; PubMed 23613520.

NM_018062.4(FANCL):c.231_232del (p.Ser77_Pro78insTer)

Gene: FANCL (FA complementation group L; minus strand). Cytogenetic location: 2p16.1.
Variant type: Microsatellite.
Coding change: c.231_232del on transcript NM_018062.4 (MANE Select); coding-DNA positions 231 to 232, 2 bases deleted (TC; older notation c.231_232delTC).
Protein change: p.Ser77_Pro78insTer.
Molecular consequence: frameshift variant. On other transcripts: nonsense (1).
Genome position (GRCh38, 1-based): chr2:58,226,769-58,226,770, GA deleted on the plus strand (TC on the coding strand, the reverse complement: FANCL is on the minus strand); deleting any 2 consecutive bases within chr2:58,226,769-58,226,773 gives the same sequence; the c. name uses the placement nearest the transcript's 3' end. VCF-style (leftmost placement, unchanged base first): chr2-58226768-GGA-G. GRCh37 (hg19) VCF-style: chr2-58453903-GGA-G.
Other names: c.228_229CT[1], p.Pro78Terfs (NM_001114636.2); c.231_232del, p.Ser77_Pro78insTer (NM_001374615.1, NM_001410792.1).
Identifiers: ClinVar variation 2767289 (VCV002767289.3), dbSNP rs2467484660, ClinGen allele CA2697548183.
Genomic context (GRCh38, chr2:58,226,768, plus strand): 5'-GAAAAAAAAAAAATTCTTACCAAAAGCATCTTCAACTCCATCATAAAGCTCATTAGATCA[GGA>G]GAGTGCTGCATTCTCTAGATCAAAATATTTCCAATTAATTTCATTTGCACAATAAATATT-3'